The following is an entry in ClinVar:

NM_000091.5(COL4A3):c.785G>A (p.Gly262Glu)

Genes: MFF-DT (MFF divergent transcript; minus strand), COL4A3 (collagen type IV alpha 3 chain; plus strand). Cytogenetic location: 2q36.3.
Variant type: single nucleotide variant.
Coding change: c.785G>A on transcript NM_000091.5 (MANE Select); coding-DNA position 785, G replaced by A.
Protein change: p.Gly262Glu; replaces glycine 262 with glutamic acid.
Molecular consequence: missense variant.
Genome position (GRCh38, 1-based): chr2:227,254,131, G>A. VCF-style: chr2-227254131-G-A. GRCh37 (hg19) VCF-style: chr2-228118847-G-A.
Other names: short protein forms G262E.
Identifiers: ClinVar variation 4817274 (VCV004817274.1).

ClinVar aggregate classification (germline): Likely pathogenic (1 of 4 stars; one submission).

Conditions:
Alport syndrome. Also called: Hemorrhagic familial nephritis; Hemorrhagic hereditary nephritis; Congenital hereditary hematuria. Identifiers: Orphanet 63, MedGen C1567741, MONDO:0018965.

Submission:

Natera, Inc.
Classification: Likely pathogenic for Alport syndrome. Last evaluated: 2025-08-25. Review status: criteria provided, single submitter. Criteria: Natera Variant Classification Schema (03/2026). Collection method: clinical testing. Allele origin: germline.
Comment: The c.785G>A variant in COL4A3 is a missense variant predicted to cause substitution of glycine to glutamic acid at amino acid 262. This variant is rare in the general population with a frequency below the threshold expected for the associated phenotype(s). This variant is located in a functionally critical region of the protein. Computational prediction algorithms indicate this variant is likely to affect gene or protein function. Given the available evidence, this variant is classified as Likely Pathogenic.